The following is an entry in ClinVar:

NM_001256789.3(CACNA1F):c.5137G>T (p.Ala1713Ser)

Gene: CACNA1F (calcium voltage-gated channel subunit alpha1 F; minus strand). Cytogenetic location: Xp11.23.
Variant type: single nucleotide variant.
Coding change: c.5137G>T on transcript NM_001256789.3 (MANE Select); coding-DNA position 5137, G replaced by T.
Protein change: p.Ala1713Ser; replaces alanine 1713 with serine.
Molecular consequence: missense variant.
Genome position (GRCh38, 1-based): chrX:49,207,099, C>A on the plus strand (G>T on the coding strand, the complement: CACNA1F is on the minus strand). VCF-style: chrX-49207099-C-A. GRCh37 (hg19) VCF-style: chrX-49063560-C-A.
Other names: c.4975G>T, p.Ala1659Ser (NM_001256790.3); c.5170G>T, p.Ala1724Ser (NM_005183.4); short protein forms A1659S, A1713S, A1724S.
Identifiers: ClinVar variation 1017496 (VCV001017496.8), dbSNP rs1557105119, ClinGen allele CA412958792.

ClinVar aggregate classification (germline): Uncertain significance (1 of 4 stars; one submission).

Allele frequency attached by ClinVar (database versions not stated): gnomAD exomes 0.00001.
gnomAD v4.1: 5 of 1,179,255 alleles (0.00042%); highest among the groups gnomAD compares: Non-Finnish European, 0.00046%; no homozygotes.

Submission:

Labcorp Genetics (formerly Invitae), Labcorp
Classification: Uncertain significance. Last evaluated: 2020-06-08. Review status: criteria provided, single submitter. Criteria: Invitae Variant Classification Sherloc (09022015). Collection method: clinical testing. Allele origin: germline.
Comment: In summary, the available evidence is currently insufficient to determine the role of this variant in disease. Therefore, it has been classified as a Variant of Uncertain Significance. Algorithms developed to predict the effect of missense changes on protein structure and function output the following: SIFT: "Tolerated"; PolyPhen-2: "Benign"; Align-GVGD: "Class C0". The serine amino acid residue is found in multiple mammalian species, suggesting that this missense change does not adversely affect protein function. These predictions have not been confirmed by published functional studies and their clinical significance is uncertain. This variant has not been reported in the literature in individuals with CACNA1F-related conditions. This variant is not present in population databases (ExAC no frequency). This sequence change replaces alanine with serine at codon 1724 of the CACNA1F protein (p.Ala1724Ser). The alanine residue is weakly conserved and there is a moderate physicochemical difference between alanine and serine.